The following is an entry in ClinVar:

ClinVar aggregate classification (germline): Conflicting classifications of pathogenicity. Review status: criteria provided, conflicting classifications (1 of 4 stars). 2 submissions from 2 submitters: Uncertain significance (1); Likely benign (1). Last evaluated 2026-06-16.

Conditions:
Hereditary cancer-predisposing syndrome. Also called: Tumor predisposition; Hereditary Cancer Syndrome; Hereditary neoplastic syndrome; Neoplastic Syndromes, Hereditary. Identifiers: Orphanet 140162, MedGen C0027672, MeSH D009386, MONDO:0015356.
Hereditary diffuse gastric adenocarcinoma (HDGC). Also called: DIFFUSE GASTRIC AND LOBULAR BREAST CANCER SYNDROME. Identifiers: Orphanet 26106, MedGen C1708349, MONDO:0007648, OMIM 137215.

Submissions (2):

Ambry Genetics
Classification: Likely benign for Hereditary cancer-predisposing syndrome. Last evaluated: 2026-06-16. Review status: criteria provided, single submitter. Criteria: Ambry Variant Classification Scheme 2023. Collection method: clinical testing. Allele origin: germline.

Labcorp Genetics (formerly Invitae), Labcorp
Classification: Uncertain significance for Hereditary diffuse gastric adenocarcinoma. Last evaluated: 2022-06-13. Review status: criteria provided, single submitter. Criteria: Invitae Variant Classification Sherloc (09022015). Collection method: clinical testing. Allele origin: germline.
Comment: This variant has not been reported in the literature in individuals affected with CDH1-related conditions. This variant is not present in population databases (gnomAD no frequency). This sequence change replaces lysine, which is basic and polar, with isoleucine, which is neutral and non-polar, at codon 314 of the CDH1 protein (p.Lys314Ile). ClinVar contains an entry for this variant (Variation ID: 1023504). In summary, the available evidence is currently insufficient to determine the role of this variant in disease. Therefore, it has been classified as a Variant of Uncertain Significance. Algorithms developed to predict the effect of missense changes on protein structure and function (SIFT, PolyPhen-2, Align-GVGD) all suggest that this variant is likely to be tolerated.

NM_004360.5(CDH1):c.941A>T (p.Lys314Ile)

Gene: CDH1 (cadherin 1; plus strand). Cytogenetic location: 16q22.1.
Variant type: single nucleotide variant.
Coding change: c.941A>T on transcript NM_004360.5 (MANE Select); coding-DNA position 941, A replaced by T.
Protein change: p.Lys314Ile; replaces lysine 314 with isoleucine.
Molecular consequence: missense variant. On other transcripts: 5 prime UTR variant (2).
Genome position (GRCh38, 1-based): chr16:68,811,792, A>T. VCF-style: chr16-68811792-A-T. GRCh37 (hg19) VCF-style: chr16-68845695-A-T.
Other names: c.941A>T, p.Lys314Ile (NM_001317184.2); c.-675A>T (NM_001317185.2); c.-879A>T (NM_001317186.2); c.941A>T (NM_004360.3); short protein forms K314I.
Identifiers: ClinVar variation 1023504 (VCV001023504.11), dbSNP rs1960840529, ClinGen allele CA396459764.